The following is an entry in ClinVar:

ClinVar aggregate classification (germline): Uncertain significance (1 of 4 stars; one submission).

Conditions:
Autosomal recessive limb-girdle muscular dystrophy type 2A (LGMDR1). Also called: Limb-girdle muscular dystrophy, type 2A; Muscular dystrophy, limb-girdle, type 2A, Amish; Calpainopathy; LEYDEN-MOEBIUS MUSCULAR DYSTROPHY; MUSCULAR DYSTROPHY, PELVOFEMORAL. Identifiers: Orphanet 267, MedGen C1869123, MONDO:0009675, OMIM 253600. Disease mechanism: loss of function.

Submission:

Labcorp Genetics (formerly Invitae), Labcorp
Classification: Uncertain significance for Autosomal recessive limb-girdle muscular dystrophy type 2A. Last evaluated: 2024-10-17. Review status: criteria provided, single submitter. Criteria: Invitae Variant Classification Sherloc (09022015). Collection method: clinical testing. Allele origin: germline.
Comment: This sequence change replaces lysine, which is basic and polar, with arginine, which is basic and polar, at codon 347 of the CAPN3 protein (p.Lys347Arg). This variant is not present in population databases (gnomAD no frequency). This variant has not been reported in the literature in individuals affected with CAPN3-related conditions. ClinVar contains an entry for this variant (Variation ID: 1507305). Invitae Evidence Modeling of protein sequence and biophysical properties (such as structural, functional, and spatial information, amino acid conservation, physicochemical variation, residue mobility, and thermodynamic stability) indicates that this missense variant is not expected to disrupt CAPN3 protein function with a negative predictive value of 80%. In summary, the available evidence is currently insufficient to determine the role of this variant in disease. Therefore, it has been classified as a Variant of Uncertain Significance.

NM_000070.3(CAPN3):c.1040A>G (p.Lys347Arg)

Gene: CAPN3 (calpain 3; plus strand). Cytogenetic location: 15q15.1.
Variant type: single nucleotide variant.
Coding change: c.1040A>G on transcript NM_000070.3 (MANE Select); coding-DNA position 1040, A replaced by G.
Protein change: p.Lys347Arg; replaces lysine 347 with arginine.
Molecular consequence: missense variant.
Genome position (GRCh38, 1-based): chr15:42,394,266, A>G. VCF-style: chr15-42394266-A-G. GRCh37 (hg19) VCF-style: chr15-42686464-A-G.
Other names: c.1040A>G, p.Lys347Arg (NM_024344.2); c.896A>G, p.Lys299Arg (NM_173087.2); short protein forms K299R, K347R.
Identifiers: ClinVar variation 1507305 (VCV001507305.8), dbSNP rs2141180698, ClinGen allele CA391998942.